The following is an entry in ClinVar:

NC_000023.10:g.(?_119565178)_(119576537_?)del

Gene: LAMP2 (lysosome associated membrane protein 2; minus strand). Cytogenetic location: Xq24.
Variant type: Deletion.
Identifiers: ClinVar variation 2424390 (VCV002424390.3).

ClinVar aggregate classification (germline): Pathogenic (1 of 4 stars; one submission).

Conditions:
Danon disease. Also called: Glycogen Storage Disease Type IIb; ANTOPOL DISEASE; PSEUDOGLYCOGENOSIS II; GSD IIb; LYSOSOMAL GLYCOGEN STORAGE DISEASE WITHOUT ACID MALTASE DEFICIENCY. Identifiers: Orphanet 34587, MedGen C0878677, MONDO:0010281, OMIM 300257.

Submission:

Labcorp Genetics (formerly Invitae), Labcorp
Classification: Pathogenic for Danon disease. Last evaluated: 2022-04-15. Review status: criteria provided, single submitter. Criteria: Invitae Variant Classification Sherloc (09022015). Collection method: clinical testing. Allele origin: germline.
Comment: This variant has not been reported in the literature in individuals affected with LAMP2-related conditions. This variant is a gross deletion of the genomic region encompassing exon(s) 7-9 of the LAMP2 gene, which includes the termination codon. This deletion extends beyond the assayed region for this gene and therefore may encompass additional genes. While this deletion is not anticipated to lead to nonsense mediated decay, it is expected to alter mRNA translation or result in a truncated protein product. This variant disrupts a region of the LAMP2 protein in which other variant(s) (p.Gln353*) have been determined to be pathogenic (PMID: 27816333; Invitae). This suggests that this is a clinically significant region of the protein, and that variants that disrupt it are likely to be disease-causing. For these reasons, this variant has been classified as Pathogenic.

Literature cited by the submitters: PubMed 27816333.